The following is an entry in ClinVar:

NM_006642.5(SDCCAG8):c.721T>C (p.Ser241Pro)

Gene: SDCCAG8 (SHH signaling and ciliogenesis regulator SDCCAG8; plus strand). Cytogenetic location: 1q43.
Variant type: single nucleotide variant.
Coding change: c.721T>C on transcript NM_006642.5 (MANE Select); coding-DNA position 721, T replaced by C.
Protein change: p.Ser241Pro; replaces serine 241 with proline.
Molecular consequence: missense variant. On other transcripts: 5 prime UTR variant (3).
Genome position (GRCh38, 1-based): chr1:243,304,758, T>C. VCF-style: chr1-243304758-T-C. GRCh37 (hg19) VCF-style: chr1-243468060-T-C.
Other names: c.-392T>C (NM_001350246.2); c.-280T>C (NM_001350247.2); c.817T>C, p.Ser273Pro (NM_001350248.2); c.427T>C, p.Ser143Pro (NM_001350249.2); c.-557T>C (NM_001350251.2); short protein forms S273P, S143P, S241P.
Identifiers: ClinVar variation 2183222 (VCV002183222.4), dbSNP rs759278534, ClinGen allele CA1483410.
Genomic context (GRCh38, chr1:243,304,758, plus strand): 5'-TTTTCTTTTCTATAGGAGAAGCTAAAACTTACTTATGAGGAAAAGTGTGAAATTGAGGAA[T>C]CCCAATTGAAGTTTTTGAGGTAAAGTGAAATCGTCCATTTATAGTCATACCAAAAGCATA-3'
Protein context (NP_006633.1, residues 231-251): TYEEKCEIEE[Ser241Pro]QLKFLRNDLA

ClinVar aggregate classification (germline): Uncertain significance (1 of 4 stars; one submission).

Conditions:
Senior-Loken syndrome 7 (SLSN7). Identifiers: Orphanet 3156, MedGen C3150877, MONDO:0013326, OMIM 613615.
Bardet-Biedl syndrome 16 (BBS16). Identifiers: Orphanet 110, MedGen C3889474, MONDO:0014444, OMIM 615993.

Allele frequency attached by ClinVar (database versions not stated): gnomAD exomes below 0.00001; TOPMed below 0.00001; ExAC 0.00001.
gnomAD v4.1: 2 of 1,592,494 alleles (0.00013%); highest among the groups gnomAD compares: African/African-American, 0.0027%; no homozygotes.

Submission:

Labcorp Genetics (formerly Invitae), Labcorp
Classification: Uncertain significance for Bardet-Biedl syndrome 16; Senior-Loken syndrome 7. Last evaluated: 2022-08-21. Review status: criteria provided, single submitter. Criteria: Invitae Variant Classification Sherloc (09022015). Collection method: clinical testing. Allele origin: germline.
Comment: This variant has not been reported in the literature in individuals affected with SDCCAG8-related conditions. In summary, the available evidence is currently insufficient to determine the role of this variant in disease. Therefore, it has been classified as a Variant of Uncertain Significance. Algorithms developed to predict the effect of missense changes on protein structure and function are either unavailable or do not agree on the potential impact of this missense change (SIFT: "Tolerated"; PolyPhen-2: "Possibly Damaging"; Align-GVGD: "Class C0"). This variant is present in population databases (rs759278534, gnomAD 0.007%). This sequence change replaces serine, which is neutral and polar, with proline, which is neutral and non-polar, at codon 241 of the SDCCAG8 protein (p.Ser241Pro).